The following is an entry in ClinVar:

NM_015267.4(CUX2):c.3249T>A (p.Ser1083=)

Gene: CUX2 (cut like homeobox 2; plus strand). Cytogenetic location: 12q24.12.
Variant type: single nucleotide variant.
Coding change: c.3249T>A on transcript NM_015267.4 (MANE Select); coding-DNA position 3249, T replaced by A.
Protein change: p.Ser1083=; no amino-acid change (serine 1083 retained).
Molecular consequence: synonymous variant.
Genome position (GRCh38, 1-based): chr12:111,338,338, T>A. VCF-style: chr12-111338338-T-A. GRCh37 (hg19) VCF-style: chr12-111776142-T-A.
Other names: c.3063T>A, p.Ser1021= (NM_001370598.1).
Identifiers: ClinVar variation 4873114 (VCV004873114.2).

ClinVar aggregate classification (germline): Likely benign (1 of 4 stars; one submission).

gnomAD v4.1: 1 of 1,614,016 alleles (0.000062%); highest among the groups gnomAD compares: Non-Finnish European, 0.000085%; no homozygotes.

Submission:

CeGaT Center for Human Genetics Tuebingen
Classification: Likely benign. Last evaluated: 2026-09-01. Review status: criteria provided, single submitter. Criteria: CeGaT Center For Human Genetics Tuebingen Variant Classification Criteria Version 2. Collection method: clinical testing. Allele origin: germline. Affected: yes. Observed: 2 variant alleles.
Comment: CUX2: BP4, BP7